The following is an entry in ClinVar:

NM_005445.4(SMC3):c.8T>G (p.Ile3Arg)

Gene: SMC3 (structural maintenance of chromosomes 3; plus strand). Cytogenetic location: 10q25.2.
Variant type: single nucleotide variant.
Coding change: c.8T>G on transcript NM_005445.4 (MANE Select); coding-DNA position 8, T replaced by G.
Protein change: p.Ile3Arg; replaces isoleucine 3 with arginine.
Molecular consequence: missense variant.
Genome position (GRCh38, 1-based): chr10:110,567,824, T>G. VCF-style: chr10-110567824-T-G. GRCh37 (hg19) VCF-style: chr10-112327582-T-G.
Other names: short protein forms I3R.
Identifiers: ClinVar variation 2814703 (VCV002814703.3), dbSNP rs2493089056, ClinGen allele CA378367576.

ClinVar aggregate classification (germline): Uncertain significance (1 of 4 stars; one submission).

Conditions:
Cornelia de Lange syndrome 3 (CDLS3). Also called: SMC3-Related Cornelia de Lange Syndrome; CORNELIA DE LANGE SYNDROME 3 WITH OR WITHOUT MIDLINE BRAIN DEFECTS. Identifiers: Orphanet 199, MedGen C1853099, MONDO:0012555, OMIM 610759.

Submission:

Labcorp Genetics (formerly Invitae), Labcorp
Classification: Uncertain significance for Cornelia de Lange syndrome 3. Last evaluated: 2023-07-17. Review status: criteria provided, single submitter. Criteria: Invitae Variant Classification Sherloc (09022015). Collection method: clinical testing. Allele origin: germline.
Comment: This sequence change replaces isoleucine, which is neutral and non-polar, with arginine, which is basic and polar, at codon 3 of the SMC3 protein (p.Ile3Arg). This variant is not present in population databases (gnomAD no frequency). This variant has not been reported in the literature in individuals affected with SMC3-related conditions. Advanced modeling of protein sequence and biophysical properties (such as structural, functional, and spatial information, amino acid conservation, physicochemical variation, residue mobility, and thermodynamic stability) performed at Invitae indicates that this missense variant is expected to disrupt SMC3 protein function. In summary, the available evidence is currently insufficient to determine the role of this variant in disease. Therefore, it has been classified as a Variant of Uncertain Significance.